The following is an entry in ClinVar:

NM_003482.4(KMT2D):c.13606C>G (p.Arg4536Gly)

Gene: KMT2D (lysine methyltransferase 2D; minus strand). Cytogenetic location: 12q13.12.
Variant type: single nucleotide variant.
Coding change: c.13606C>G on transcript NM_003482.4 (MANE Select); coding-DNA position 13606, C replaced by G.
Protein change: p.Arg4536Gly; replaces arginine 4536 with glycine.
Molecular consequence: missense variant.
Genome position (GRCh38, 1-based): chr12:49,030,958, G>C on the plus strand (C>G on the coding strand, the complement: KMT2D is on the minus strand). VCF-style: chr12-49030958-G-C. GRCh37 (hg19) VCF-style: chr12-49424741-G-C.
Other names: short protein forms R4536G.
Identifiers: ClinVar variation 2789578 (VCV002789578.3), dbSNP rs587783692, ClinGen allele CA384703429.

ClinVar aggregate classification (germline): Uncertain significance (1 of 4 stars; one submission).

Conditions:
Kabuki syndrome. Also called: NIIKAWA-KUROKI SYNDROME; Kabuki make-up syndrome. Identifiers: Orphanet 2322, MedGen C0796004, MONDO:0016512.

Submission:

Labcorp Genetics (formerly Invitae), Labcorp
Classification: Uncertain significance for Kabuki syndrome. Last evaluated: 2024-01-29. Review status: criteria provided, single submitter. Criteria: Invitae Variant Classification Sherloc (09022015). Collection method: clinical testing. Allele origin: germline.
Comment: This sequence change replaces arginine, which is basic and polar, with glycine, which is neutral and non-polar, at codon 4536 of the KMT2D protein (p.Arg4536Gly). This variant is not present in population databases (gnomAD no frequency). This variant has not been reported in the literature in individuals affected with KMT2D-related conditions. Advanced modeling of protein sequence and biophysical properties (such as structural, functional, and spatial information, amino acid conservation, physicochemical variation, residue mobility, and thermodynamic stability) performed at Invitae indicates that this missense variant is not expected to disrupt KMT2D protein function with a negative predictive value of 95%. In summary, the available evidence is currently insufficient to determine the role of this variant in disease. Therefore, it has been classified as a Variant of Uncertain Significance.